The following is an entry in ClinVar:

NM_001134831.2(AHI1):c.3197G>A (p.Arg1066Gln)

Gene: AHI1 (Abelson helper integration site 1; minus strand). Cytogenetic location: 6q23.3.
Variant type: single nucleotide variant.
Coding change: c.3197G>A on transcript NM_001134831.2 (MANE Select); coding-DNA position 3197, G replaced by A.
Protein change: p.Arg1066Gln; replaces arginine 1066 with glutamine.
Molecular consequence: missense variant.
Genome position (GRCh38, 1-based): chr6:135,323,293, C>T on the plus strand (G>A on the coding strand, the complement: AHI1 is on the minus strand). VCF-style: chr6-135323293-C-T. GRCh37 (hg19) VCF-style: chr6-135644431-C-T.
Other names: c.3197G>A, p.Arg1066Gln (NM_001134830.2, NM_001350503.2, NM_001350504.2 and 1 more transcripts); short protein forms R1066Q.
Identifiers: ClinVar variation 840129 (VCV000840129.11), dbSNP rs544992761, ClinGen allele CA4012073.

ClinVar aggregate classification (germline): Uncertain significance. Review status: criteria provided, multiple submitters, no conflicts (2 of 4 stars). 3 submissions from 3 submitters: Uncertain significance (3). Last evaluated 2024-10-24.

Conditions:
Joubert syndrome 3 (JBTS3). Also called: AHI1-related Ciliopathy. Identifiers: Orphanet 220493, MedGen C1837713, MONDO:0012078, OMIM 608629.
Joubert syndrome. Also called: JOUBERT-BOLTSHAUSER SYNDROME; Familial aplasia of the vermis. Identifiers: Orphanet 475, MedGen C5979921, MONDO:0018772.

Allele frequency attached by ClinVar (database versions not stated): gnomAD 0.00001; TOPMed 0.00001; 1000 Genomes Project 30x 0.00016; 1000 Genomes Project 0.00020.
gnomAD v4.1: 40 of 1,613,546 alleles (0.0025%); highest among the groups gnomAD compares: South Asian, 0.0088%; no homozygotes.

Submissions (3):

Labcorp Genetics (formerly Invitae), Labcorp
Classification: Uncertain significance for Joubert syndrome. Last evaluated: 2024-10-24. Review status: criteria provided, single submitter. Criteria: Invitae Variant Classification Sherloc (09022015). Collection method: clinical testing. Allele origin: germline.
Comment: This sequence change replaces arginine, which is basic and polar, with glutamine, which is neutral and polar, at codon 1066 of the AHI1 protein (p.Arg1066Gln). This variant is present in population databases (rs544992761, gnomAD 0.01%). This variant has not been reported in the literature in individuals affected with AHI1-related conditions. ClinVar contains an entry for this variant (Variation ID: 840129). Invitae Evidence Modeling of protein sequence and biophysical properties (such as structural, functional, and spatial information, amino acid conservation, physicochemical variation, residue mobility, and thermodynamic stability) indicates that this missense variant is not expected to disrupt AHI1 protein function with a negative predictive value of 95%. In summary, the available evidence is currently insufficient to determine the role of this variant in disease. Therefore, it has been classified as a Variant of Uncertain Significance.

Fulgent Genetics
Classification: Uncertain significance for Joubert syndrome 3. Last evaluated: 2024-03-30. Review status: criteria provided, single submitter. Criteria: ACMG Guidelines, 2015. Collection method: clinical testing. Allele origin: germline.

Blueprint Genetics
Classification: Uncertain significance. Last evaluated: 2022-02-09. Review status: criteria provided, single submitter. Criteria: ACMG Guidelines, 2015. Collection method: clinical testing. Allele origin: germline.